The following is an entry in ClinVar:

ClinVar aggregate classification (germline): Uncertain significance (1 of 4 stars; one submission).

Submission:

GeneDx
Classification: Uncertain significance. Last evaluated: 2026-02-21. Review status: criteria provided, single submitter. Criteria: GeneDx Variant Classification Process June 2021. Collection method: clinical testing. Allele origin: germline.
Comment: Not observed at significant frequency in large population cohorts (gnomAD); In-frame deletion of 7 amino acid(s) in a non-repeat region; In silico analysis supports a deleterious effect on protein structure/function; Has not been previously published as pathogenic or benign to our knowledge

NM_005251.3(FOXC2):c.856_876del (p.Glu286_Gly292del)

Gene: FOXC2 (forkhead box C2; plus strand). Cytogenetic location: 16q24.1.
Variant type: Deletion.
Coding change: c.856_876del on transcript NM_005251.3 (MANE Select); coding-DNA positions 856 to 876, 21 bases deleted (GAGCTGAGCCCGGGGGCCGGA).
Protein change: p.Glu286_Gly292del.
Molecular consequence: inframe deletion.
Genome position (GRCh38, 1-based): chr16:86,568,191-86,568,211, GAGCTGAGCCCGGGGGCCGGA deleted; deleting any 21 consecutive bases within chr16:86,568,187-86,568,211 gives the same sequence; the c. name uses the placement nearest the transcript's 3' end. VCF-style (leftmost placement, unchanged base first): chr16-86568186-GCGGAGAGCTGAGCCCGGGGGC-G. GRCh37 (hg19) VCF-style: chr16-86601792-GCGGAGAGCTGAGCCCGGGGGC-G.
Identifiers: ClinVar variation 5009721 (VCV005009721.1).